The following is an entry in ClinVar:

ClinVar aggregate classification (germline): Uncertain significance (1 of 4 stars; one submission).

Allele frequency attached by ClinVar (database versions not stated): gnomAD exomes below 0.00001; TOPMed below 0.00001; gnomAD 0.00001.

Submissions (2):

CeGaT Center for Human Genetics Tuebingen
Classification: Uncertain significance. Last evaluated: 2023-02-01. Review status: criteria provided, single submitter. Criteria: CeGaT Center For Human Genetics Tuebingen Variant Classification Criteria Version 2. Collection method: clinical testing. Allele origin: germline. Affected: yes. Observed: 1 variant allele.
Comment: RBM10: PM2, PP2

Dr. Peter K. Rogan Lab, Western University
No classification provided (evidence only). Condition: Nonpapillary renal cell carcinoma. Review status: no classification provided. Collection method: in vitro. Allele origin: not applicable. Functional consequence: retained intron. Not counted in ClinVar's aggregate classification.

NM_005676.5(RBM10):c.2354A>G (p.Lys785Arg)

Gene: RBM10 (RNA binding motif protein 10; plus strand). Cytogenetic location: Xp11.3.
Variant type: single nucleotide variant.
Coding change: c.2354A>G on transcript NM_005676.5 (MANE Select); coding-DNA position 2354, A replaced by G.
Protein change: p.Lys785Arg; replaces lysine 785 with arginine.
Molecular consequence: missense variant.
Genome position (GRCh38, 1-based): chrX:47,185,629, A>G. VCF-style: chrX-47185629-A-G. GRCh37 (hg19) VCF-style: chrX-47045028-A-G.
Other names: NC_000023.10:g.47045028A>G; c.2123A>G, p.Lys708Arg (NM_001204466.2); c.2351A>G, p.Lys784Arg (NM_001204467.2); c.2549A>G, p.Lys850Arg (NM_001204468.2); c.2120A>G, p.Lys707Arg (NM_152856.3); short protein forms K707R, K708R, K784R, K785R, K850R.
Identifiers: ClinVar variation 2660403 (VCV002660403.25), dbSNP rs1346365980, ClinGen allele CA412808189.